The following is an entry in ClinVar:

NM_015015.3(KDM4B):c.1750C>T (p.Arg584Cys)

Genes: KDM4B (lysine demethylase 4B; plus strand), LOC130063244 (ATAC-STARR-seq lymphoblastoid active region 13796; plus strand). Cytogenetic location: 19p13.3.
Variant type: single nucleotide variant.
Coding change: c.1750C>T on transcript NM_015015.3 (MANE Select); coding-DNA position 1750, C replaced by T.
Protein change: p.Arg584Cys; replaces arginine 584 with cysteine.
Molecular consequence: missense variant.
Genome position (GRCh38, 1-based): chr19:5,131,510, C>T. VCF-style: chr19-5131510-C-T. GRCh37 (hg19) VCF-style: chr19-5131521-C-T.
Other names: c.1852C>T, p.Arg618Cys (NM_001411148.1); short protein forms R584C, R618C.
Identifiers: ClinVar variation 2649103 (VCV002649103.25), dbSNP rs148763203, ClinGen allele CA9107931.

ClinVar aggregate classification (germline): Likely benign. Review status: criteria provided, multiple submitters, no conflicts (2 of 4 stars). 2 submissions from 2 submitters: Likely benign (2). Last evaluated 2026-07-01.

Allele frequency attached by ClinVar (database versions not stated): ESP Exome Variant Server 0.00069; TOPMed 0.00083; gnomAD exomes 0.00094; ExAC 0.00104; gnomAD 0.00396.

Submissions (2):

CeGaT Center for Human Genetics Tuebingen
Classification: Likely benign. Last evaluated: 2026-07-01. Review status: criteria provided, single submitter. Criteria: CeGaT Center For Human Genetics Tuebingen Variant Classification Criteria Version 2. Collection method: clinical testing. Allele origin: germline. Affected: yes. Observed: 11 variant alleles.
Comment: KDM4B: BS1

Blueprint Genetics
Classification: Likely benign. Last evaluated: 2024-11-27. Review status: criteria provided, single submitter. Criteria: ACMG Guidelines, 2015. Collection method: clinical testing. Allele origin: germline.